The following is an entry in ClinVar:

NM_001378778.1(MPDZ):c.1882A>G (p.Met628Val)

Gene: MPDZ (multiple PDZ domain crumbs cell polarity complex component; minus strand). Cytogenetic location: 9p23.
Variant type: single nucleotide variant.
Coding change: c.1882A>G on transcript NM_001378778.1 (MANE Select); coding-DNA position 1882, A replaced by G.
Protein change: p.Met628Val; replaces methionine 628 with valine.
Molecular consequence: missense variant.
Genome position (GRCh38, 1-based): chr9:13,192,217, T>C on the plus strand (A>G on the coding strand, the complement: MPDZ is on the minus strand). VCF-style: chr9-13192217-T-C. GRCh37 (hg19) VCF-style: chr9-13192216-T-C.
Other names: c.1882A>G, p.Met628Val (NM_001261406.2, NM_001261407.2, NM_001330637.2 and 14 more transcripts); short protein forms M628V.
Identifiers: ClinVar variation 1349896 (VCV001349896.6), dbSNP rs765249977, ClinGen allele CA4987641.

ClinVar aggregate classification (germline): Uncertain significance (1 of 4 stars; one submission).

Allele frequency attached by ClinVar (database versions not stated): gnomAD exomes 0.00002 and 0.00001; TOPMed 0.00002; ExAC 0.00001; gnomAD 0.00001.
gnomAD v4.1: 19 of 1,609,898 alleles (0.0012%); highest among the groups gnomAD compares: Non-Finnish European, 0.0015%; no homozygotes.

Submission:

Labcorp Genetics (formerly Invitae), Labcorp
Classification: Uncertain significance. Last evaluated: 2023-08-17. Review status: criteria provided, single submitter. Criteria: Invitae Variant Classification Sherloc (09022015). Collection method: clinical testing. Allele origin: germline.
Comment: This variant is present in population databases (rs765249977, gnomAD 0.01%). In summary, the available evidence is currently insufficient to determine the role of this variant in disease. Therefore, it has been classified as a Variant of Uncertain Significance. Algorithms developed to predict the effect of missense changes on protein structure and function output the following: SIFT: "Not Available"; PolyPhen-2: "Benign"; Align-GVGD: "Not Available". The valine amino acid residue is found in multiple mammalian species, which suggests that this missense change does not adversely affect protein function. ClinVar contains an entry for this variant (Variation ID: 1349896). This variant has not been reported in the literature in individuals affected with MPDZ-related conditions. This sequence change replaces methionine, which is neutral and non-polar, with valine, which is neutral and non-polar, at codon 628 of the MPDZ protein (p.Met628Val).